The following is an entry in ClinVar:

NM_004544.4(NDUFA10):c.251A>G (p.Lys84Arg)

Gene: NDUFA10 (NADH:ubiquinone oxidoreductase subunit A10; minus strand). Cytogenetic location: 2q37.3.
Variant type: single nucleotide variant.
Coding change: c.251A>G on transcript NM_004544.4 (MANE Select); coding-DNA position 251, A replaced by G.
Protein change: p.Lys84Arg; replaces lysine 84 with arginine.
Molecular consequence: missense variant. On other transcripts: non-coding transcript variant (4).
Genome position (GRCh38, 1-based): chr2:240,021,406, T>C on the plus strand (A>G on the coding strand, the complement: NDUFA10 is on the minus strand). VCF-style: chr2-240021406-T-C. GRCh37 (hg19) VCF-style: chr2-240960823-T-C.
Other names: p.Lys84Arg; c.251A>G (NM_004544.3); c.251A>G, p.Lys84Arg (NM_001322019.2, NM_001322020.2, NM_001410987.1); short protein forms K84R.
Identifiers: ClinVar variation 3379442 (VCV003379442.2).
Genomic context (GRCh38, chr2:240,021,406, plus strand): 5'-AGGGGCTTCCCATCTCCTGTGGTACTGTCTGGATAATGAATCCCCGCTTCAGGAAAGTGC[T>C]TGAAGCCTGAAAAGAGAAACAGTCGGATGCAGTCTGATGCACATCACTCACTCCCCGCAG-3'
Protein context (NP_004535.1, residues 74-94): AKEIAEKLGF[Lys84Arg]HFPEAGIHYP

ClinVar aggregate classification (germline): Conflicting classifications of pathogenicity. Review status: criteria provided, conflicting classifications (1 of 4 stars). 2 submissions from 2 submitters: Uncertain significance (1); Likely benign (1). Last evaluated 2025-10-14.

Conditions:
Inborn genetic diseases. Identifiers: MedGen C0950123, MeSH D030342.

gnomAD v4.1: 23 of 1,613,832 alleles (0.0014%); highest among the groups gnomAD compares: African/African-American, 0.019%; no homozygotes.

Submissions (2):

Ambry Genetics
Classification: Likely benign for Inborn genetic diseases. Last evaluated: 2025-10-14. Review status: criteria provided, single submitter. Criteria: Ambry Variant Classification Scheme 2023. Collection method: clinical testing. Allele origin: germline.

Mayo Clinic Laboratories, Mayo Clinic
Classification: Uncertain significance. Last evaluated: 2024-07-29. Review status: criteria provided, single submitter. Criteria: ACMG Guidelines, 2015. Collection method: clinical testing. Allele origin: germline. Observed: 1 variant allele.
Comment: BP4